The following is an entry in ClinVar:

NC_000005.10:g.(?_156757561)_(156759410_?)del

Gene: SGCD (sarcoglycan delta; plus strand). Cytogenetic location: 5q33.3.
Variant type: Deletion.
Identifiers: ClinVar variation 584277 (VCV000584277.9).

ClinVar aggregate classification (germline): Pathogenic (1 of 4 stars; one submission).

Conditions:
Autosomal recessive limb-girdle muscular dystrophy type 2F (LGMDR6). Also called: MUSCULAR DYSTROPHY, LIMB-GIRDLE, AUTOSOMAL RECESSIVE 6; Muscular dystrophy limb-girdle with delta-sarcoglyan deficiency. Identifiers: Orphanet 219, MedGen C1832525, MONDO:0011028, OMIM 601287. Disease mechanism: Affects gamma-sarcoglycan and also disrupts the integrity of the entire sarcoglycan complex..

Submission:

Labcorp Genetics (formerly Invitae), Labcorp
Classification: Pathogenic for Autosomal recessive limb-girdle muscular dystrophy type 2F. Last evaluated: 2018-04-05. Review status: criteria provided, single submitter. Criteria: Invitae Variant Classification Sherloc (09022015). Collection method: clinical testing. Allele origin: germline.
Comment: This variant is a gross deletion of the genomic region encompassing exons 8-9 of the SGCD gene. The 5' boundary is likely confined to intron 7. The 3' end of this event is unknown as it extends through the termination codon beyond the assayed region for this gene and may encompass additional genes. While this deletion is not anticipated to result in nonsense mediated decay, it is expected to create a truncated protein product or disrupt mRNA translation. This variant has not been reported in the literature in individuals with SGCD-related disease. Loss-of-function variants in SGCD are known to be pathogenic (PMID: 8841194, 10735275, 10838250). A different truncation (p.Thr220Profs*6) that is located within exon 8 has been determined to be likely pathogenic (PMID: 8841194). This suggests that deletion of this region of the SGCD protein is causative of disease. For these reasons, this variant has been classified as Pathogenic.

Literature cited by the submitters: PubMed 8841194; PubMed 10735275; PubMed 10838250.